The following is an entry in ClinVar:

ClinVar aggregate classification (germline): Uncertain significance. Review status: criteria provided, multiple submitters, no conflicts (2 of 4 stars). 2 submissions from 2 submitters: Uncertain significance (2). Last evaluated 2025-12-07.

Conditions:
Hereditary motor and sensory neuropathy, Okinawa type (HMSNO). Also called: HEREDITARY MOTOR AND SENSORY NEUROPATHY, PROXIMAL TYPE. Identifiers: Orphanet 90117, MedGen C1858338, MONDO:0011468, OMIM 604484.
Hereditary spastic paraplegia 57. Also called: Spastic paraplegia 57, autosomal recessive. Identifiers: Orphanet 431329, MedGen C3714897, MONDO:0014295, OMIM 615658.

Allele frequency attached by ClinVar (database versions not stated): TOPMed below 0.00001; ExAC 0.00001; gnomAD exomes below 0.00001 and 0.00002.
gnomAD v4.1: 10 of 1,614,016 alleles (0.00062%); highest among the groups gnomAD compares: Non-Finnish European, 0.00085%; no homozygotes.

Submissions (2):

Labcorp Genetics (formerly Invitae), Labcorp
Classification: Uncertain significance for Hereditary motor and sensory neuropathy, Okinawa type; Hereditary spastic paraplegia 57. Last evaluated: 2025-12-07. Review status: criteria provided, single submitter. Criteria: Invitae Variant Classification Sherloc (09022015). Collection method: clinical testing. Allele origin: germline.
Comment: This sequence change replaces proline, which is neutral and non-polar, with leucine, which is neutral and non-polar, at codon 386 of the TFG protein (p.Pro386Leu). This variant is present in population databases (rs766049461, gnomAD 0.0009%). This variant has not been reported in the literature in individuals affected with TFG-related conditions. ClinVar contains an entry for this variant (Variation ID: 534745). Invitae Evidence Modeling of protein sequence and biophysical properties (such as structural, functional, and spatial information, amino acid conservation, physicochemical variation, residue mobility, and thermodynamic stability) indicates that this missense variant is not expected to disrupt TFG protein function with a negative predictive value of 80%. In summary, the available evidence is currently insufficient to determine the role of this variant in disease. Therefore, it has been classified as a Variant of Uncertain Significance.

GeneDx
Classification: Uncertain significance. Last evaluated: 2025-02-18. Review status: criteria provided, single submitter. Criteria: GeneDx Variant Classification Process June 2021. Collection method: clinical testing. Allele origin: germline. Affected: yes.
Comment: Not observed at significant frequency in large population cohorts (gnomAD); In silico analysis indicates that this missense variant does not alter protein structure/function; Has not been previously published as pathogenic or benign to our knowledge

NM_006070.6(TFG):c.1157C>T (p.Pro386Leu)

Gene: TFG (trafficking from ER to golgi regulator; plus strand). Cytogenetic location: 3q12.2.
Variant type: single nucleotide variant.
Coding change: c.1157C>T on transcript NM_006070.6 (MANE Select); coding-DNA position 1157, C replaced by T.
Protein change: p.Pro386Leu; replaces proline 386 with leucine.
Molecular consequence: missense variant.
Genome position (GRCh38, 1-based): chr3:100,748,485, C>T. VCF-style: chr3-100748485-C-T. GRCh37 (hg19) VCF-style: chr3-100467329-C-T.
Other names: c.1157C>T, p.Pro386Leu (NM_001007565.2, NM_001195478.2); c.1145C>T, p.Pro382Leu (NM_001195479.2); short protein forms P386L, P382L.
Identifiers: ClinVar variation 534745 (VCV000534745.11), dbSNP rs766049461, ClinGen allele CA2517263.